The following is an entry in ClinVar:

ClinVar aggregate classification (germline): Uncertain significance (1 of 4 stars; one submission).

Allele frequency attached by ClinVar (database versions not stated): ExAC 0.00016; ESP Exome Variant Server 0.00031; 1000 Genomes Project 0.00060; 1000 Genomes Project 30x 0.00062.

Submission:

Labcorp Genetics (formerly Invitae), Labcorp
Classification: Uncertain significance. Last evaluated: 2025-02-18. Review status: criteria provided, single submitter. Criteria: Invitae Variant Classification Sherloc (09022015). Collection method: clinical testing. Allele origin: germline.
Comment: This sequence change replaces valine, which is neutral and non-polar, with methionine, which is neutral and non-polar, at codon 824 of the CASZ1 protein (p.Val824Met). This variant is present in population databases (rs200632528, gnomAD 0.07%), and has an allele count higher than expected for a pathogenic variant. This variant has not been reported in the literature in individuals affected with CASZ1-related conditions. ClinVar contains an entry for this variant (Variation ID: 1442207). An algorithm developed to predict the effect of missense changes on protein structure and function outputs the following: PolyPhen-2: "Benign". The methionine amino acid residue is found in multiple mammalian species, which suggests that this missense change does not adversely affect protein function. In summary, the available evidence is currently insufficient to determine the role of this variant in disease. Therefore, it has been classified as a Variant of Uncertain Significance.

NM_001079843.3(CASZ1):c.2470G>A (p.Val824Met)

Gene: CASZ1 (castor zinc finger 1; minus strand). Cytogenetic location: 1p36.22.
Variant type: single nucleotide variant.
Coding change: c.2470G>A on transcript NM_001079843.3 (MANE Select); coding-DNA position 2470, G replaced by A.
Protein change: p.Val824Met; replaces valine 824 with methionine.
Molecular consequence: missense variant.
Genome position (GRCh38, 1-based): chr1:10,653,587, C>T on the plus strand (G>A on the coding strand, the complement: CASZ1 is on the minus strand). VCF-style: chr1-10653587-C-T. GRCh37 (hg19) VCF-style: chr1-10713644-C-T.
Other names: c.2470G>A, p.Val824Met (NM_017766.5); short protein forms V824M.
Identifiers: ClinVar variation 1442207 (VCV001442207.6), dbSNP rs200632528, ClinGen allele CA584867.